The following is an entry in ClinVar:

NM_001330078.2(NRXN1):c.559G>T (p.Val187Leu)

Gene: NRXN1 (neurexin 1; minus strand). Cytogenetic location: 2p16.3.
Variant type: single nucleotide variant.
Coding change: c.559G>T on transcript NM_001330078.2 (MANE Select); coding-DNA position 559, G replaced by T.
Protein change: p.Val187Leu; replaces valine 187 with leucine.
Molecular consequence: missense variant.
Genome position (GRCh38, 1-based): chr2:51,027,715, C>A on the plus strand (G>T on the coding strand, the complement: NRXN1 is on the minus strand). VCF-style: chr2-51027715-C-A. GRCh37 (hg19) VCF-style: chr2-51254853-C-A.
Other names: c.559G>T, p.Val187Leu (NM_001330090.2, NM_001330093.2, NM_001330094.2 and 15 more transcripts); short protein forms V187L.
Identifiers: ClinVar variation 2184550 (VCV002184550.4), dbSNP rs1238777963, ClinGen allele CA346823757.

ClinVar aggregate classification (germline): Uncertain significance (1 of 4 stars; one submission).

Conditions:
Pitt-Hopkins-like syndrome 2 (PTHSL2). Identifiers: Orphanet 221150, Orphanet 600663, MedGen C3280479, MONDO:0013690, OMIM 614325.

Submission:

Labcorp Genetics (formerly Invitae), Labcorp
Classification: Uncertain significance for Pitt-Hopkins-like syndrome 2. Last evaluated: 2022-04-06. Review status: criteria provided, single submitter. Criteria: Invitae Variant Classification Sherloc (09022015). Collection method: clinical testing. Allele origin: germline.
Comment: In summary, the available evidence is currently insufficient to determine the role of this variant in disease. Therefore, it has been classified as a Variant of Uncertain Significance. Algorithms developed to predict the effect of missense changes on protein structure and function (SIFT, PolyPhen-2, Align-GVGD) all suggest that this variant is likely to be tolerated. This variant has not been reported in the literature in individuals affected with NRXN1-related conditions. This variant is not present in population databases (gnomAD no frequency). This sequence change replaces valine, which is neutral and non-polar, with leucine, which is neutral and non-polar, at codon 187 of the NRXN1 protein (p.Val187Leu).